The following is an entry in ClinVar:

ClinVar aggregate classification (germline): Likely benign. Review status: criteria provided, multiple submitters, no conflicts (2 of 4 stars). 5 submissions from 5 submitters: Likely benign (5). Last evaluated 2025-11-26.

Conditions:
Hyperphosphatasia with impaired intellectual development syndrome 1. Also called: GLYCOSYLPHOSPHATIDYLINOSITOL BIOSYNTHESIS DEFECT 2; Hyperphosphatasia with intellectual disability syndrome 1; MABRY SYNDROME. Identifiers: Orphanet 247262, MedGen C4551502, MONDO:0009398, OMIM 239300.

Allele frequency attached by ClinVar (database versions not stated): TOPMed 0.00013; gnomAD 0.00025 and 0.00014; ExAC 0.00079; 1000 Genomes Project 30x 0.00016; 1000 Genomes Project 0.00020; gnomAD exomes 0.00040 and 0.00068.
gnomAD v4.1: 626 of 1,614,200 alleles (0.039%); highest among the groups gnomAD compares: South Asian, 0.42%; 5 homozygotes.

Submissions (5):

Labcorp Genetics (formerly Invitae), Labcorp
Classification: Likely benign. Last evaluated: 2025-11-26. Review status: criteria provided, single submitter. Criteria: Invitae Variant Classification Sherloc (09022015). Collection method: clinical testing. Allele origin: germline.

Blueprint Genetics
Classification: Likely benign. Last evaluated: 2024-10-15. Review status: criteria provided, single submitter. Criteria: ACMG Guidelines, 2015. Collection method: clinical testing. Allele origin: germline.

Fulgent Genetics
Classification: Likely benign for Hyperphosphatasia with impaired intellectual development syndrome 1. Last evaluated: 2021-09-21. Review status: criteria provided, single submitter. Criteria: ACMG Guidelines, 2015. Collection method: clinical testing. Allele origin: unknown.

GeneDx
Classification: Likely benign. Last evaluated: 2020-04-21. Review status: criteria provided, single submitter. Criteria: GeneDx Variant Classification Process June 2021. Collection method: clinical testing. Allele origin: germline. Affected: yes.

Illumina Laboratory Services, Illumina
Classification: Likely benign for Hyperphosphatasia with impaired intellectual development syndrome 1. Last evaluated: 2018-01-13. Review status: criteria provided, single submitter. Criteria: ICSL Variant Classification Criteria 13 December 2019. Collection method: clinical testing. Allele origin: germline.
Comment: This variant was observed in the ICSL laboratory as part of a predisposition screen in an ostensibly healthy population. It had not been previously curated by ICSL or reported in the Human Gene Mutation Database (HGMD: prior to June 1st, 2018), and was therefore a candidate for classification through an automated scoring system. Utilizing variant allele frequency, disease prevalence and penetrance estimates, and inheritance mode, an automated score was calculated to assess if this variant is too frequent to cause the disease. Based on the score and internal cut-off values, a variant classified as likely benign is not then subjected to further curation. The score for this variant resulted in a classification of likely benign for this disease.

NM_017837.4(PIGV):c.473G>A (p.Ser158Asn)

Gene: PIGV (phosphatidylinositol glycan anchor biosynthesis class V; plus strand). Cytogenetic location: 1p36.11.
Variant type: single nucleotide variant.
Coding change: c.473G>A on transcript NM_017837.4 (MANE Select); coding-DNA position 473, G replaced by A.
Protein change: p.Ser158Asn; replaces serine 158 with asparagine.
Molecular consequence: missense variant. On other transcripts: non-coding transcript variant (1), intron variant (3).
Genome position (GRCh38, 1-based): chr1:26,794,507, G>A. VCF-style: chr1-26794507-G-A. GRCh37 (hg19) VCF-style: chr1-27120998-G-A.
Other names: c.473G>A, p.Ser158Asn (NM_001202554.2, NM_001374478.1, NM_001374480.1 and 2 more transcripts); c.92G>A, p.Ser31Asn (NM_001374483.1); c.172+301G>A (NM_001374484.1, NM_001374485.1); c.79-3056G>A (NM_001374486.1); short protein forms S31N, S158N.
Identifiers: ClinVar variation 733557 (VCV000733557.16), dbSNP rs201332799, ClinGen allele CA708064.